The following is an entry in ClinVar:

ClinVar aggregate classification (germline): Uncertain significance. Review status: criteria provided, multiple submitters, no conflicts (2 of 4 stars). 4 submissions from 4 submitters: Uncertain significance (4). Last evaluated 2023-02-08.

Conditions:
Ehlers-Danlos syndrome, classic type, 1 (EDSCL1). Also called: EHLERS-DANLOS SYNDROME, GRAVIS TYPE; EHLERS-DANLOS SYNDROME, SEVERE CLASSIC TYPE; EDS I; Ehlers-Danlos Syndrome, Classic Type, COL5A1-Related; Ehlers-Danlos syndrome, type 1. Identifiers: MedGen C0268335, MONDO:0019567, OMIM 130000.
Familial thoracic aortic aneurysm and aortic dissection (TAAD). Also called: Thoracic aortic aneurysms and dissections. Identifiers: Orphanet 91387, MedGen C4707243, MONDO:0019625.

Allele frequency attached by ClinVar (database versions not stated): gnomAD exomes below 0.00001; TOPMed below 0.00001; gnomAD 0.00001.
gnomAD v4.1: 4 of 1,601,952 alleles (0.00025%); highest among the groups gnomAD compares: Non-Finnish European, 0.00034%; no homozygotes.

Submissions (4):

Labcorp Genetics (formerly Invitae), Labcorp
Classification: Uncertain significance for Ehlers-Danlos syndrome, classic type, 1. Last evaluated: 2023-02-08. Review status: criteria provided, single submitter. Criteria: Invitae Variant Classification Sherloc (09022015). Collection method: clinical testing. Allele origin: germline.
Comment: This variant has not been reported in the literature in individuals affected with COL5A2-related conditions. The frequency data for this variant in the population databases is considered unreliable, as metrics indicate poor data quality at this position in the gnomAD database. This sequence change replaces arginine, which is basic and polar, with cysteine, which is neutral and slightly polar, at codon 1118 of the COL5A2 protein (p.Arg1118Cys). ClinVar contains an entry for this variant (Variation ID: 439541). In summary, the available evidence is currently insufficient to determine the role of this variant in disease. Therefore, it has been classified as a Variant of Uncertain Significance. Advanced modeling of protein sequence and biophysical properties (such as structural, functional, and spatial information, amino acid conservation, physicochemical variation, residue mobility, and thermodynamic stability) performed at Invitae indicates that this missense variant is expected to disrupt COL5A2 protein function.

GeneDx
Classification: Uncertain significance. Last evaluated: 2022-02-21. Review status: criteria provided, single submitter. Criteria: GeneDx Variant Classification Process June 2021. Collection method: clinical testing. Allele origin: germline. Affected: yes.
Comment: Has not been previously published as pathogenic or benign to our knowledge; Not observed at significant frequency in large population cohorts (gnomAD); In silico analysis supports that this missense variant has a deleterious effect on protein structure/function

Ambry Genetics
Classification: Uncertain significance for Familial thoracic aortic aneurysm and aortic dissection. Last evaluated: 2018-08-23. Review status: criteria provided, single submitter. Criteria: Ambry Variant Classification Scheme 2023. Collection method: clinical testing. Allele origin: germline.
Comment: The p.R1118C variant (also known as c.3352C>T), located in coding exon 47 of the COL5A2 gene, results from a C to T substitution at nucleotide position 3352. The arginine at codon 1118 is replaced by cysteine, an amino acid with highly dissimilar properties. This amino acid position is highly conserved in available vertebrate species. In addition, this alteration is predicted to be deleterious by in silico analysis. Since supporting evidence is limited at this time, the clinical significance of this alteration remains unclear.

ARUP Laboratories, Molecular Genetics and Genomics, ARUP Laboratories
Classification: Uncertain significance. Last evaluated: 2016-09-21. Review status: criteria provided, single submitter. Criteria: ARUP Molecular Germline Variant Investigation Process. Collection method: clinical testing. Allele origin: germline.

NM_000393.5(COL5A2):c.3352C>T (p.Arg1118Cys)

Gene: COL5A2 (collagen type V alpha 2 chain; minus strand). Cytogenetic location: 2q32.2.
Variant type: single nucleotide variant.
Coding change: c.3352C>T on transcript NM_000393.5 (MANE Select); coding-DNA position 3352, C replaced by T.
Protein change: p.Arg1118Cys; replaces arginine 1118 with cysteine.
Molecular consequence: missense variant.
Genome position (GRCh38, 1-based): chr2:189,045,190, G>A on the plus strand (C>T on the coding strand, the complement: COL5A2 is on the minus strand). VCF-style: chr2-189045190-G-A. GRCh37 (hg19) VCF-style: chr2-189909916-G-A.
Other names: short protein forms R1118C.
Identifiers: ClinVar variation 439541 (VCV000439541.15), dbSNP rs1386081744, ClinGen allele CA349862128.